The following is an entry in ClinVar:

NM_015978.3(TNNI3K):c.874A>G (p.Ile292Val)

Genes: FPGT-TNNI3K (FPGT-TNNI3K readthrough; plus strand), TNNI3K (TNNI3 interacting kinase; plus strand). Cytogenetic location: 1p31.1.
Variant type: single nucleotide variant.
Coding change: c.874A>G on transcript NM_015978.3 (MANE Select); coding-DNA position 874, A replaced by G.
Protein change: p.Ile292Val; replaces isoleucine 292 with valine.
Molecular consequence: missense variant.
Genome position (GRCh38, 1-based): chr1:74,343,121, A>G. VCF-style: chr1-74343121-A-G. GRCh37 (hg19) VCF-style: chr1-74808805-A-G.
Other names: p.Ile292Val; c.1177A>G, p.Ile393Val (NM_001112808.3, NM_001199327.2); short protein forms I292V, I393V.
Identifiers: ClinVar variation 1599442 (VCV001599442.13), dbSNP rs76419674, ClinGen allele CA909047.
Genomic context (GRCh38, chr1:74,343,121, plus strand): 5'-TTCTTCAAATCTAGGGCATGCTACAATGGCAAATTTGAAGTTGCCAAGGAAATCATCCAA[A>G]TATCAGGAACAGAAAGTCTGACTAAGGAAAACATCTTCAGTGAAACAGCTTTTCATAGGT-3'
Protein context (NP_057062.1, residues 282-302): KFEVAKEIIQ[Ile292Val]SGTESLTKEN

ClinVar aggregate classification (germline): Benign/Likely benign. Review status: criteria provided, multiple submitters, no conflicts (2 of 4 stars). 5 submissions from 5 submitters: Benign (1); Likely benign (3). 1 of the submissions does not count toward it. Last evaluated 2026-01-27.

Conditions:
TNNI3K-related disorder. Also called: TNNI3K-related condition.

Allele frequency attached by ClinVar (database versions not stated): gnomAD exomes 0.00030; ExAC 0.00038; 1000 Genomes Project 30x 0.00078; 1000 Genomes Project 0.00080; gnomAD 0.00131 and 0.00144; ESP Exome Variant Server 0.00146; TOPMed 0.00163.
gnomAD v4.1: 420 of 1,613,490 alleles (0.026%); highest among the groups gnomAD compares: African/African-American, 0.5%; 1 homozygote.

Submissions (5):

Labcorp Genetics (formerly Invitae), Labcorp
Classification: Benign. Last evaluated: 2026-01-27. Review status: criteria provided, single submitter. Criteria: Invitae Variant Classification Sherloc (09022015). Collection method: clinical testing. Allele origin: germline.

Mayo Clinic Laboratories, Mayo Clinic
Classification: Likely benign. Last evaluated: 2025-07-16. Review status: criteria provided, single submitter. Criteria: ACMG Guidelines, 2015. Collection method: clinical testing. Allele origin: germline. Observed: 1 variant allele.
Comment: BS1, BP4_moderate

Molecular Diagnostic Laboratory for Inherited Cardiovascular Disease, Montreal Heart Institute
Classification: Likely benign. Last evaluated: 2025-04-09. Review status: criteria provided, single submitter. Criteria: ACMG Guidelines, 2015. Collection method: clinical testing. Allele origin: germline. Affected: no.

Blueprint Genetics
Classification: Likely benign. Last evaluated: 2024-07-01. Review status: criteria provided, single submitter. Criteria: ACMG Guidelines, 2015. Collection method: clinical testing. Allele origin: germline.

PreventionGenetics, part of Exact Sciences
Classification: Likely benign for TNNI3K-related condition. Last evaluated: 2022-06-08. Review status: no assertion criteria provided. Collection method: clinical testing. Allele origin: germline. Not counted in ClinVar's aggregate classification.
Comment: This variant is classified as likely benign based on ACMG/AMP sequence variant interpretation guidelines (Richards et al. 2015 PMID: 25741868, with internal and published modifications).